The following is an entry in ClinVar:

ClinVar aggregate classification (germline): Uncertain significance (1 of 4 stars; one submission).

Allele frequency attached by ClinVar (database versions not stated): TOPMed below 0.00001; gnomAD 0.00001; ExAC 0.00004.
gnomAD v4.1: 35 of 1,600,024 alleles (0.0022%); highest among the groups gnomAD compares: Non-Finnish European, 0.003%; no homozygotes.

Submission:

Labcorp Genetics (formerly Invitae), Labcorp
Classification: Uncertain significance. Last evaluated: 2024-01-20. Review status: criteria provided, single submitter. Criteria: Invitae Variant Classification Sherloc (09022015). Collection method: clinical testing. Allele origin: germline.
Comment: This sequence change replaces histidine, which is basic and polar, with arginine, which is basic and polar, at codon 193 of the TERF2IP protein (p.His193Arg). This variant is present in population databases (rs752745876, gnomAD 0.002%). This variant has not been reported in the literature in individuals affected with TERF2IP-related conditions. An algorithm developed to predict the effect of missense changes on protein structure and function (PolyPhen-2) suggests that this variant is likely to be tolerated. Algorithms developed to predict the effect of sequence changes on RNA splicing suggest that this variant may disrupt the consensus splice site. In summary, the available evidence is currently insufficient to determine the role of this variant in disease. Therefore, it has been classified as a Variant of Uncertain Significance.

NM_018975.4(TERF2IP):c.578A>G (p.His193Arg)

Gene: TERF2IP (TERF2 interacting protein; plus strand). Cytogenetic location: 16q23.1.
Variant type: single nucleotide variant.
Coding change: c.578A>G on transcript NM_018975.4 (MANE Select); coding-DNA position 578, A replaced by G.
Protein change: p.His193Arg; replaces histidine 193 with arginine.
Molecular consequence: missense variant. On other transcripts: non-coding transcript variant (1).
Genome position (GRCh38, 1-based): chr16:75,648,460, A>G. VCF-style: chr16-75648460-A-G. GRCh37 (hg19) VCF-style: chr16-75682358-A-G.
Other names: short protein forms H193R.
Identifiers: ClinVar variation 2907610 (VCV002907610.3), dbSNP rs752745876, ClinGen allele CA8178014.
Genomic context (GRCh38, chr16:75,648,460, plus strand): 5'-CGCAGCACTCGTGGCAGTCCCTGAAGGACCGCTACCTCAAGCACCTGCGGGGCCAGGAGC[A>G]TAAGTACCTGCTGGGGGACGCGCCGGTGAGCCCCTCCTCCCAGAAGCTCAAGCGGAAGGC-3'
Protein context (NP_061848.2, residues 183-203): RYLKHLRGQE[His193Arg]KYLLGDAPVS